The following is an entry in ClinVar:

ClinVar aggregate classification (germline): Uncertain significance (1 of 4 stars; one submission).

Conditions:
Mitochondrial complex II deficiency, nuclear type 1. Also called: SUCCINATE CoQ REDUCTASE DEFICIENCY. Identifiers: Orphanet 3208, MedGen C5700310, MONDO:0100294, OMIM 252011.
Pheochromocytoma/paraganglioma syndrome 5. Also called: Paragangliomas 5; SDHA-Related Hereditary Paraganglioma-Pheochromocytoma Syndrome. Identifiers: Orphanet 29072, MedGen C3279992, MONDO:0013602, OMIM 614165.

Submission:

Labcorp Genetics (formerly Invitae), Labcorp
Classification: Uncertain significance for Pheochromocytoma/paraganglioma syndrome 5; Mitochondrial complex II deficiency, nuclear type 1. Last evaluated: 2025-02-18. Review status: criteria provided, single submitter. Criteria: Invitae Variant Classification Sherloc (09022015). Collection method: clinical testing. Allele origin: germline.
Comment: This sequence change replaces histidine, which is basic and polar, with arginine, which is basic and polar, at codon 370 of the SDHA protein (p.His370Arg). This variant is not present in population databases (gnomAD no frequency). This variant has not been reported in the literature in individuals affected with SDHA-related conditions. Invitae Evidence Modeling of protein sequence and biophysical properties (such as structural, functional, and spatial information, amino acid conservation, physicochemical variation, residue mobility, and thermodynamic stability) indicates that this missense variant is not expected to disrupt SDHA protein function with a negative predictive value of 95%. In summary, the available evidence is currently insufficient to determine the role of this variant in disease. Therefore, it has been classified as a Variant of Uncertain Significance.

NM_004168.4(SDHA):c.1109A>G (p.His370Arg)

Gene: SDHA (succinate dehydrogenase complex flavoprotein subunit A; plus strand). Cytogenetic location: 5p15.33.
Variant type: single nucleotide variant.
Coding change: c.1109A>G on transcript NM_004168.4 (MANE Select); coding-DNA position 1109, A replaced by G.
Protein change: p.His370Arg; replaces histidine 370 with arginine.
Molecular consequence: missense variant.
Genome position (GRCh38, 1-based): chr5:235,188, A>G. VCF-style: chr5-235188-A-G. GRCh37 (hg19) VCF-style: chr5-235303-A-G.
Other names: c.965A>G, p.His322Arg (NM_001294332.2); c.1109A>G, p.His370Arg (NM_001330758.2); short protein forms H370R, H322R.
Identifiers: ClinVar variation 4789756 (VCV004789756.1).
Genomic context (GRCh38, chr5:235,188, plus strand): 5'-TGTTCTGTCTTACCAGAGGCTGTGGCCCTGAGAAAGATCACGTCTACCTGCAGCTGCACC[A>G]CCTACCTCCAGAGCAGCTGGCCACGCGCCTGCCTGGCATTTCAGAGACAGCCATGATCTT-3'
Protein context (NP_004159.2, residues 360-380): EKDHVYLQLH[His370Arg]LPPEQLATRL